The following is an entry in ClinVar:

ClinVar aggregate classification (germline): Likely pathogenic (1 of 4 stars; one submission).

Submission:

Dasa
Classification: Likely pathogenic. Last evaluated: 2026-03-05. Review status: criteria provided, single submitter. Criteria: DASA Assertion Criteria. Collection method: clinical testing. Allele origin: germline.
Comment: NM_006015.6(ARID1A):c.3977dup (p.Gln1327Alafs*11) is a frameshift variant in ARID1A predicted to alter the reading frame and introduce a premature termination codon and is predicted to result in an absent or altered protein product. Loss of function is an established disease mechanism for ARID1A (PMID: 22426308; PMID: 23929686; PMID: 23906836). Also, this variant is rare in population databases. Based on the currently available evidence, this variant is classified as likely pathogenic.

Literature cited by the submitters: PubMed 22426308; PubMed 23929686; PubMed 23906836.

NM_006015.6(ARID1A):c.3977dup (p.Gln1327fs)

Gene: ARID1A (AT-rich interaction domain 1A; plus strand). Cytogenetic location: 1p36.11.
Variant type: Duplication.
Coding change: c.3977dup on transcript NM_006015.6 (MANE Select); coding-DNA position 3977, one base duplicated (C; older notation c.3977dupC).
Protein change: p.Gln1327fs; shifts the reading frame from glutamine 1327.
Molecular consequence: frameshift variant.
Genome position (GRCh38, 1-based): chr1:26,773,690, C duplicated; the last of 6 consecutive C bases (chr1:26,773,685-26,773,690); duplicating any one gives the same sequence. VCF-style (leftmost placement, unchanged base first): chr1-26773684-A-AC. GRCh37 (hg19) VCF-style: chr1-27100175-A-AC.
Other names: c.3977dup, p.Gln1327fs (NM_139135.4); short protein forms Q1327fs.
Identifiers: ClinVar variation 4880518 (VCV004880518.2).